The following is an entry in ClinVar:

NM_005956.4(MTHFD1):c.739C>T (p.Pro247Ser)

Gene: MTHFD1 (methylenetetrahydrofolate dehydrogenase, cyclohydrolase and formyltetrahydrofolate synthetase 1; plus strand). Cytogenetic location: 14q23.3.
Variant type: single nucleotide variant.
Coding change: c.739C>T on transcript NM_005956.4 (MANE Select); coding-DNA position 739, C replaced by T.
Protein change: p.Pro247Ser; replaces proline 247 with serine.
Molecular consequence: missense variant.
Genome position (GRCh38, 1-based): chr14:64,424,815, C>T. VCF-style: chr14-64424815-C-T. GRCh37 (hg19) VCF-style: chr14-64891533-C-T.
Other names: c.739C>T, p.Pro247Ser (NM_001364837.1); short protein forms P247S.
Identifiers: ClinVar variation 1435268 (VCV001435268.5), dbSNP rs758410301, ClinGen allele CA7226031.

ClinVar aggregate classification (germline): Uncertain significance (1 of 4 stars; one submission).

Allele frequency attached by ClinVar (database versions not stated): gnomAD 0.00004; TOPMed 0.00006.

Submission:

Labcorp Genetics (formerly Invitae), Labcorp
Classification: Uncertain significance. Last evaluated: 2022-09-27. Review status: criteria provided, single submitter. Criteria: Invitae Variant Classification Sherloc (09022015). Collection method: clinical testing. Allele origin: germline.
Comment: This sequence change replaces proline, which is neutral and non-polar, with serine, which is neutral and polar, at codon 247 of the MTHFD1 protein (p.Pro247Ser). This variant is present in population databases (rs758410301, gnomAD 0.004%). This variant has not been reported in the literature in individuals affected with MTHFD1-related conditions. ClinVar contains an entry for this variant (Variation ID: 1435268). Advanced modeling of protein sequence and biophysical properties (such as structural, functional, and spatial information, amino acid conservation, physicochemical variation, residue mobility, and thermodynamic stability) performed at Invitae indicates that this missense variant is not expected to disrupt MTHFD1 protein function. In summary, the available evidence is currently insufficient to determine the role of this variant in disease. Therefore, it has been classified as a Variant of Uncertain Significance.